The following is an entry in ClinVar:

ClinVar aggregate classification (germline): Benign/Likely benign. Review status: criteria provided, multiple submitters, no conflicts (2 of 4 stars). 3 submissions from 3 submitters: Benign (1); Likely benign (1). 1 of the submissions does not count toward it. Last evaluated 2026-01-17.

Conditions:
NEK2-related disorder. Also called: NEK2-related condition.
Retinitis pigmentosa 67 (RP67). Identifiers: Orphanet 791, MedGen C3809954, MONDO:0014256, OMIM 615565.

Allele frequency attached by ClinVar (database versions not stated): gnomAD 0.00026; 1000 Genomes Project 0.00040; 1000 Genomes Project 30x 0.00047; TOPMed 0.00079; ExAC 0.00152; gnomAD exomes 0.00184.
gnomAD v4.1: 554 of 1,614,060 alleles (0.034%); highest among the groups gnomAD compares: Admixed American, 0.89%; 5 homozygotes.

Submissions (3):

Labcorp Genetics (formerly Invitae), Labcorp
Classification: Benign. Last evaluated: 2026-01-17. Review status: criteria provided, single submitter. Criteria: Invitae Variant Classification Sherloc (09022015). Collection method: clinical testing. Allele origin: germline.

Fulgent Genetics
Classification: Likely benign for Retinitis pigmentosa 67. Last evaluated: 2022-03-16. Review status: criteria provided, single submitter. Criteria: ACMG Guidelines, 2015. Collection method: clinical testing. Allele origin: unknown.

PreventionGenetics, part of Exact Sciences
Classification: Benign for NEK2-related condition. Last evaluated: 2019-07-25. Review status: no assertion criteria provided. Collection method: clinical testing. Allele origin: germline. Not counted in ClinVar's aggregate classification.
Comment: This variant is classified as benign based on ACMG/AMP sequence variant interpretation guidelines (Richards et al. 2015 PMID: 25741868, with internal and published modifications).

NM_002497.4(NEK2):c.863G>A (p.Arg288Gln)

Gene: NEK2 (NIMA related kinase 2; minus strand). Cytogenetic location: 1q32.3.
Variant type: single nucleotide variant.
Coding change: c.863G>A on transcript NM_002497.4 (MANE Select); coding-DNA position 863, G replaced by A.
Protein change: p.Arg288Gln; replaces arginine 288 with glutamine.
Molecular consequence: missense variant.
Genome position (GRCh38, 1-based): chr1:211,669,235, C>T on the plus strand (G>A on the coding strand, the complement: NEK2 is on the minus strand). VCF-style: chr1-211669235-C-T. GRCh37 (hg19) VCF-style: chr1-211842577-C-T.
Other names: c.863G>A, p.Arg288Gln (NM_001204182.2, NM_001204183.2); short protein forms R288Q.
Identifiers: ClinVar variation 709034 (VCV000709034.12), dbSNP rs181112920, ClinGen allele CA1381576.